The following is an entry in ClinVar:

NM_000173.7(GP1BA):c.1173C>T (p.Pro391=)

Gene: GP1BA (glycoprotein Ib platelet subunit alpha; plus strand). Cytogenetic location: 17p13.2.
Variant type: single nucleotide variant.
Coding change: c.1173C>T on transcript NM_000173.7 (MANE Select); coding-DNA position 1173, C replaced by T.
Protein change: p.Pro391=; no amino-acid change (proline 391 retained).
Molecular consequence: synonymous variant.
Genome position (GRCh38, 1-based): chr17:4,933,777, C>T. VCF-style: chr17-4933777-C-T. GRCh37 (hg19) VCF-style: chr17-4837072-C-T.
Identifiers: ClinVar variation 1337129 (VCV001337129.20), dbSNP rs369052917, ClinGen allele CA8314916.

ClinVar aggregate classification (germline): Likely benign. Review status: criteria provided, multiple submitters, no conflicts (2 of 4 stars). 3 submissions from 3 submitters: Likely benign (2). 1 of the submissions does not count toward it. Last evaluated 2026-03-01.

Conditions:
GP1BA-related disorder. Also called: GP1BA-related condition.

Allele frequency attached by ClinVar (database versions not stated): gnomAD 0.00004; ESP Exome Variant Server 0.00008; gnomAD exomes 0.00008; ExAC 0.00012.

Submissions (3):

CeGaT Center for Human Genetics Tuebingen
Classification: Likely benign. Last evaluated: 2026-03-01. Review status: criteria provided, single submitter. Criteria: CeGaT Center For Human Genetics Tuebingen Variant Classification Criteria Version 2. Collection method: clinical testing. Allele origin: germline. Affected: yes. Observed: 2 variant alleles.
Comment: GP1BA: BP4, BP7

Genetic Services Laboratory, University of Chicago
Classification: Likely benign. Last evaluated: 2019-04-20. Review status: criteria provided, single submitter. Criteria: ACMG Guidelines, 2015. Collection method: clinical testing. Allele origin: germline. Affected: no.

PreventionGenetics, part of Exact Sciences
Classification: Likely benign for GP1BA-related condition. Last evaluated: 2019-07-16. Review status: no assertion criteria provided. Collection method: clinical testing. Allele origin: germline. Not counted in ClinVar's aggregate classification.
Comment: This variant is classified as likely benign based on ACMG/AMP sequence variant interpretation guidelines (Richards et al. 2015 PMID: 25741868, with internal and published modifications).